The following is an entry in ClinVar:

ClinVar aggregate classification (germline): Conflicting classifications of pathogenicity. Review status: criteria provided, conflicting classifications (1 of 4 stars). 3 submissions from 3 submitters: Uncertain significance (2); Likely benign (1). Last evaluated 2025-06-20.

Allele frequency attached by ClinVar (database versions not stated): TOPMed below 0.00001; gnomAD exomes 0.00007; gnomAD 0.00010; ExAC 0.00015; 1000 Genomes Project 30x 0.00078; 1000 Genomes Project 0.00100.
gnomAD v4.1: 117 of 1,614,006 alleles (0.0072%); highest among the groups gnomAD compares: South Asian, 0.12%; 1 homozygote.

Submissions (3):

Labcorp Genetics (formerly Invitae), Labcorp
Classification: Uncertain significance. Last evaluated: 2025-06-20. Review status: criteria provided, single submitter. Criteria: Invitae Variant Classification Sherloc (09022015). Collection method: clinical testing. Allele origin: germline.
Comment: This sequence change replaces lysine, which is basic and polar, with arginine, which is basic and polar, at codon 59 of the NUBPL protein (p.Lys59Arg). This variant is present in population databases (rs540769784, gnomAD 0.1%). This variant has not been reported in the literature in individuals affected with NUBPL-related conditions. ClinVar contains an entry for this variant (Variation ID: 2049555). An algorithm developed to predict the effect of missense changes on protein structure and function (PolyPhen-2) suggests that this variant is likely to be tolerated. In summary, the available evidence is currently insufficient to determine the role of this variant in disease. Therefore, it has been classified as a Variant of Uncertain Significance.

Mayo Clinic Laboratories, Mayo Clinic
Classification: Likely benign. Last evaluated: 2025-05-07. Review status: criteria provided, single submitter. Criteria: ACMG Guidelines, 2015. Collection method: clinical testing. Allele origin: germline. Observed: 1 variant allele.
Comment: BS1, BP4_moderate

GeneDx
Classification: Uncertain significance. Last evaluated: 2023-05-01. Review status: criteria provided, single submitter. Criteria: GeneDx Variant Classification Process June 2021. Collection method: clinical testing. Allele origin: germline. Affected: yes.
Comment: In silico analysis supports that this missense variant has a deleterious effect on protein structure/function; Has not been previously published as pathogenic or benign to our knowledge

Literature cited by the submitters: PubMed 29982452 (cited by Mayo Clinic Laboratories, Mayo Clinic).

NM_025152.3(NUBPL):c.176A>G (p.Lys59Arg)

Gene: NUBPL (NUBP iron-sulfur cluster assembly factor, mitochondrial; plus strand). Cytogenetic location: 14q12.
Variant type: single nucleotide variant.
Coding change: c.176A>G on transcript NM_025152.3 (MANE Select); coding-DNA position 176, A replaced by G.
Protein change: p.Lys59Arg; replaces lysine 59 with arginine.
Molecular consequence: missense variant. On other transcripts: non-coding transcript variant (1).
Genome position (GRCh38, 1-based): chr14:31,562,135, A>G. VCF-style: chr14-31562135-A-G. GRCh37 (hg19) VCF-style: chr14-32031341-A-G.
Other names: p.Lys59Arg; c.176A>G (NM_025152.2); short protein forms K59R.
Identifiers: ClinVar variation 2049555 (VCV002049555.6), dbSNP rs540769784, ClinGen allele CA7147739.